The following is an entry in ClinVar:

ClinVar aggregate classification (germline): Uncertain significance. Review status: criteria provided, multiple submitters, no conflicts (2 of 4 stars). 2 submissions from 2 submitters: Uncertain significance (2). Last evaluated 2023-04-25.

Conditions:
Developmental and epileptic encephalopathy, 34 (DEE34). Also called: SLC12A5-Related Epilepsy of Infancy with Migrating Focal Seizures; Early infantile epileptic encephalopathy 34. Identifiers: Orphanet 293181, MedGen C4225257, MONDO:0014718, OMIM 616645.

Allele frequency attached by ClinVar (database versions not stated): gnomAD exomes below 0.00001 and 0.00002; ExAC 0.00001; TOPMed 0.00002; gnomAD 0.00003 and 0.00004; ESP Exome Variant Server 0.00008.

Submissions (2):

Clinical Genetics Laboratory, Skane University Hospital Lund
Classification: Uncertain significance. Last evaluated: 2023-04-25. Review status: criteria provided, single submitter. Criteria: ACMG Guidelines, 2015. Collection method: clinical testing. Allele origin: germline. Affected: yes.

Labcorp Genetics (formerly Invitae), Labcorp
Classification: Uncertain significance for Developmental and epileptic encephalopathy, 34. Last evaluated: 2021-08-12. Review status: criteria provided, single submitter. Criteria: Invitae Variant Classification Sherloc (09022015). Collection method: clinical testing. Allele origin: germline.
Comment: This sequence change replaces proline with serine at codon 520 of the SLC12A5 protein (p.Pro520Ser). The proline residue is highly conserved and there is a moderate physicochemical difference between proline and serine. This variant is present in population databases (rs113818080, ExAC 0.002%). This missense change has been observed in individual(s) with clinical features of SLC12A5-related conditions (Invitae). Algorithms developed to predict the effect of missense changes on protein structure and function are either unavailable or do not agree on the potential impact of this missense change (SIFT: "Deleterious"; PolyPhen-2: "Probably Damaging"; Align-GVGD: "Class C0"). In summary, the available evidence is currently insufficient to determine the role of this variant in disease. Therefore, it has been classified as a Variant of Uncertain Significance.

NM_020708.5(SLC12A5):c.1558C>T (p.Pro520Ser)

Gene: SLC12A5 (solute carrier family 12 member 5; plus strand). Cytogenetic location: 20q13.12.
Variant type: single nucleotide variant.
Coding change: c.1558C>T on transcript NM_020708.5 (MANE Select); coding-DNA position 1558, C replaced by T.
Protein change: p.Pro520Ser; replaces proline 520 with serine.
Molecular consequence: missense variant.
Genome position (GRCh38, 1-based): chr20:46,045,129, C>T. VCF-style: chr20-46045129-C-T. GRCh37 (hg19) VCF-style: chr20-44673768-C-T.
Other names: c.1627C>T, p.Pro543Ser (NM_001134771.2); short protein forms P520S, P543S.
Identifiers: ClinVar variation 1020454 (VCV001020454.9), dbSNP rs113818080, ClinGen allele CA9887361.